The following is an entry in ClinVar:

ClinVar aggregate classification (germline): Benign/Likely benign. Review status: criteria provided, multiple submitters, no conflicts (2 of 4 stars). 3 submissions from 3 submitters: Benign (1); Likely benign (2). Last evaluated 2026-06-29.

Conditions:
GHR-related disorder. Also called: GHR-related condition.

Allele frequency attached by ClinVar (database versions not stated): ExAC 0.00031; gnomAD 0.00107 and 0.00116; ESP Exome Variant Server 0.00115; 1000 Genomes Project 0.00120; TOPMed 0.00133; 1000 Genomes Project 30x 0.00141; gnomAD exomes 0.00012 and 0.00026.
gnomAD v4.1: 343 of 1,614,116 alleles (0.021%); highest among the groups gnomAD compares: African/African-American, 0.43%; 1 homozygote.

Submissions (3):

PreventionGenetics, part of Exact Sciences
Classification: Likely benign for GHR-related condition. Last evaluated: 2026-06-29. Review status: criteria provided, single submitter. Criteria: ACMG Guidelines, 2015. Collection method: clinical testing. Allele origin: germline.
Comment: This variant is classified as likely benign based on ACMG/AMP sequence variant interpretation guidelines (Richards et al. 2015 PMID: 25741868, with internal and published modifications).

Women's Health and Genetics/Laboratory Corporation of America, LabCorp
Classification: Likely benign. Last evaluated: 2026-05-12. Review status: criteria provided, single submitter. Criteria: LabCorp Variant Classification Summary - May 2015. Collection method: clinical testing. Allele origin: germline.

Labcorp Genetics (formerly Invitae), Labcorp
Classification: Benign. Last evaluated: 2026-01-22. Review status: criteria provided, single submitter. Criteria: Invitae Variant Classification Sherloc (09022015). Collection method: clinical testing. Allele origin: germline.

NM_000163.5(GHR):c.1752T>C (p.His584=)

Gene: GHR (growth hormone receptor; plus strand). Cytogenetic location: 5p12.
Variant type: single nucleotide variant.
Coding change: c.1752T>C on transcript NM_000163.5 (MANE Select); coding-DNA position 1752, T replaced by C.
Protein change: p.His584=; no amino-acid change (histidine 584 retained).
Molecular consequence: synonymous variant. On other transcripts: 3 prime UTR variant (1).
Genome position (GRCh38, 1-based): chr5:42,719,259, T>C. VCF-style: chr5-42719259-T-C. GRCh37 (hg19) VCF-style: chr5-42719361-T-C.
Other names: c.1773T>C, p.His591= (NM_001242399.2); c.1752T>C, p.His584= (NM_001242400.2, NM_001242401.4, NM_001242402.2 and 4 more transcripts); c.1686T>C, p.His562= (NM_001242460.2); c.*794T>C (NM_001242462.1).
Identifiers: ClinVar variation 705819 (VCV000705819.12), dbSNP rs142531325, ClinGen allele CA3254706.